The following is an entry in ClinVar:

ClinVar aggregate classification (germline): Benign/Likely benign. Review status: criteria provided, multiple submitters, no conflicts (2 of 4 stars). 15 submissions from 11 submitters: Benign (3); Likely benign (10). 2 of the submissions do not count toward it. Last evaluated 2026-06-01.

Conditions:
Hereditary cryohydrocytosis with reduced stomatin. Also called: Stomatin-deficient cryohydrocytosis with neurologic defects; GLUT1 DEFICIENCY SYNDROME WITH PSEUDOHYPERKALEMIA AND HEMOLYSIS. Identifiers: Orphanet 168577, MedGen C1837206, MONDO:0012143, OMIM 608885.
Inborn genetic diseases. Identifiers: MedGen C0950123, MeSH D030342.
Dystonia 9 (DYT9). Also called: CHOREOATHETOSIS, KINESIGENIC, WITH EPISODIC ATAXIA AND SPASTICITY. Identifiers: Orphanet 53583, MedGen C1832855, MONDO:0010983, OMIM 601042.
Epilepsy, idiopathic generalized, susceptibility to, 12 (EIG12). Identifiers: MedGen C3553859, MONDO:0013919, OMIM 614847.
GLUT1 deficiency syndrome 1, autosomal recessive. Identifiers: MedGen C3149117.
Childhood onset GLUT1 deficiency syndrome 2. Also called: PAROXYSMAL EXERCISE-INDUCED DYSKINESIA WITH OR WITHOUT EPILEPSY AND/OR HEMOLYTIC ANEMIA; PAROXYSMAL EXERTION-INDUCED DYSTONIA WITH OR WITHOUT EPILEPSY AND/OR HEMOLYTIC ANEMIA; PED WITH OR WITHOUT EPILEPSY AND/OR HEMOLYTIC ANEMIA; GLUT1 deficiency syndrome 2; Exertion-induced paroxysmal dyskinesia; Paroxysmal exercise-induced dystonia. Identifiers: Orphanet 98811, MedGen C1842534, MONDO:0012805, OMIM 612126.
Encephalopathy due to GLUT1 deficiency. Also called: GLUCOSE TRANSPORT DEFECT, BLOOD-BRAIN BARRIER; De Vivo disease; GLUT1 deficiency syndrome 1; Glucose transporter protein syndrome; Classic Glucose Transporter Type 1 Deficiency Syndrome; GLUT1 deficiency syndrome 1, infantile onset, severe. Identifiers: Orphanet 71277, MedGen C4551966, MONDO:0011724, OMIM 606777.

Allele frequency attached by ClinVar (database versions not stated): gnomAD exomes 0.00034 and 0.00072; ExAC 0.00092; 1000 Genomes Project 0.00200; 1000 Genomes Project 30x 0.00234; gnomAD 0.00248 and 0.00267; TOPMed 0.00292; ESP Exome Variant Server 0.00346.
gnomAD v4.1: 907 of 1,614,042 alleles (0.056%); highest among the groups gnomAD compares: African/African-American, 0.89%; 4 homozygotes.

Submissions (15):

CeGaT Center for Human Genetics Tuebingen
Classification: Likely benign. Last evaluated: 2026-06-01. Review status: criteria provided, single submitter. Criteria: CeGaT Center For Human Genetics Tuebingen Variant Classification Criteria Version 2. Collection method: clinical testing. Allele origin: germline. Affected: yes. Observed: 6 variant alleles.
Comment: SLC2A1: BP4, BP7

Labcorp Genetics (formerly Invitae), Labcorp
Classification: Benign for GLUT1 deficiency syndrome 1, autosomal recessive. Last evaluated: 2026-01-28. Review status: criteria provided, single submitter. Criteria: Invitae Variant Classification Sherloc (09022015). Collection method: clinical testing. Allele origin: germline.

Mayo Clinic Laboratories, Mayo Clinic
Classification: Likely benign. Last evaluated: 2025-11-25. Review status: criteria provided, single submitter. Criteria: ACMG Guidelines, 2015. Collection method: clinical testing. Allele origin: germline. Observed: 18 variant alleles.
Comment: BS1, BP4, BP7

Blueprint Genetics
Classification: Likely benign. Last evaluated: 2024-09-13. Review status: criteria provided, single submitter. Criteria: ACMG Guidelines, 2015. Collection method: clinical testing. Allele origin: germline.

Genome-Nilou Lab
Classification: Likely benign for Epilepsy, idiopathic generalized, susceptibility to, 12. Last evaluated: 2023-04-11. Review status: criteria provided, single submitter. Criteria: ACMG Guidelines, 2015. Collection method: clinical testing. Allele origin: germline. Affected: no.

Genome-Nilou Lab
Classification: Likely benign for Dystonia 9. Last evaluated: 2023-04-11. Review status: criteria provided, single submitter. Criteria: ACMG Guidelines, 2015. Collection method: clinical testing. Allele origin: germline. Affected: no.

Genome-Nilou Lab
Classification: Likely benign for Encephalopathy due to GLUT1 deficiency. Last evaluated: 2023-04-11. Review status: criteria provided, single submitter. Criteria: ACMG Guidelines, 2015. Collection method: clinical testing. Allele origin: germline. Affected: no.

Genome-Nilou Lab
Classification: Likely benign for Childhood onset GLUT1 deficiency syndrome 2. Last evaluated: 2023-04-11. Review status: criteria provided, single submitter. Criteria: ACMG Guidelines, 2015. Collection method: clinical testing. Allele origin: germline. Affected: no.

Genome-Nilou Lab
Classification: Likely benign for Hereditary cryohydrocytosis with reduced stomatin. Last evaluated: 2023-04-11. Review status: criteria provided, single submitter. Criteria: ACMG Guidelines, 2015. Collection method: clinical testing. Allele origin: germline. Affected: no.

Ambry Genetics
Classification: Likely benign for Inborn genetic diseases. Last evaluated: 2017-02-23. Review status: criteria provided, single submitter. Criteria: Ambry Variant Classification Scheme 2023. Collection method: clinical testing. Allele origin: germline.

Genetic Services Laboratory, University of Chicago
Classification: Likely benign. Last evaluated: 2016-06-10. Review status: criteria provided, single submitter. Criteria: ACMG Guidelines, 2015. Collection method: clinical testing. Allele origin: germline. Affected: no.

Eurofins Ntd Llc (ga)
Classification: Benign. Last evaluated: 2013-09-27. Review status: criteria provided, single submitter. Criteria: EGL Classification Definitions 2015. Collection method: clinical testing. Allele origin: germline. Observed: 1 variant allele, 1 heterozygote.

GeneDx
Classification: Benign. Last evaluated: 2013-06-07. Review status: criteria provided, single submitter. Criteria: GeneDx Variant Classification (06012015). Collection method: clinical testing. Allele origin: germline. Affected: yes.
Comment: This variant is considered likely benign or benign based on one or more of the following criteria: it is a conservative change, it occurs at a poorly conserved position in the protein, it is predicted to be benign by multiple in silico algorithms, and/or has population frequency not consistent with disease.

Clinical Genetics DNA and cytogenetics Diagnostics Lab, Erasmus MC, Erasmus Medical Center
Classification: Likely benign. Review status: no assertion criteria provided. Collection method: clinical testing. Allele origin: germline. Affected: yes. Study: VKGL Data-share Consensus. Not counted in ClinVar's aggregate classification.

Genome Diagnostics Laboratory, University Medical Center Utrecht
Classification: Benign. Review status: no assertion criteria provided. Collection method: clinical testing. Allele origin: germline. Affected: yes. Study: VKGL Data-share Consensus. Not counted in ClinVar's aggregate classification.

NM_006516.4(SLC2A1):c.1296C>T (p.Tyr432=)

Gene: SLC2A1 (solute carrier family 2 member 1; minus strand). Cytogenetic location: 1p34.2.
Variant type: single nucleotide variant.
Coding change: c.1296C>T on transcript NM_006516.4 (MANE Select); coding-DNA position 1296, C replaced by T.
Protein change: p.Tyr432=; no amino-acid change (tyrosine 432 retained).
Molecular consequence: synonymous variant.
Genome position (GRCh38, 1-based): chr1:42,927,224, G>A on the plus strand (C>T on the coding strand, the complement: SLC2A1 is on the minus strand). VCF-style: chr1-42927224-G-A. GRCh37 (hg19) VCF-style: chr1-43392895-G-A.
Other names: p.Y432Y:TAC>TAT; p.Tyr432=; c.1296C>T (NM_006516.3).
Identifiers: ClinVar variation 95408 (VCV000095408.52), dbSNP rs75485205, ClinGen allele CA019042.
Genomic context (GRCh38, chr1:42,927,224, plus strand): 5'-AACTTTGAAGTAGGTGAAGATGAAGAACAGAACCAGGAGCACAGTGAAGATGATGAAGAC[G>A]TAGGGACCACACAGTTGCTGAAAGACACACAGACACACTTGGTTGGAGTCATGACCCTAC-3'
Protein context (NP_006507.2, residues 422-442): FQYVEQLCGP[Tyr432=]VFIIFTVLLV